The following is an entry in ClinVar:

NM_152327.5(AK7):c.212T>G (p.Val71Gly)

Gene: AK7 (adenylate kinase 7; plus strand). Cytogenetic location: 14q32.2.
Variant type: single nucleotide variant.
Coding change: c.212T>G on transcript NM_152327.5 (MANE Select); coding-DNA position 212, T replaced by G.
Protein change: p.Val71Gly; replaces valine 71 with glycine.
Molecular consequence: missense variant.
Genome position (GRCh38, 1-based): chr14:96,398,181, T>G. VCF-style: chr14-96398181-T-G. GRCh37 (hg19) VCF-style: chr14-96864518-T-G.
Other names: c.212T>G, p.Val71Gly (NM_001350888.2, NM_001350890.2, NM_001350891.2 and 1 more transcripts); short protein forms V71G.
Identifiers: ClinVar variation 2325423 (VCV002325423.5), dbSNP rs753684659, ClinGen allele CA390913722.

ClinVar aggregate classification (germline): Uncertain significance. Review status: criteria provided, multiple submitters, no conflicts (2 of 4 stars). 2 submissions from 2 submitters: Uncertain significance (2). Last evaluated 2023-05-20.

gnomAD v4.1: 1 of 1,613,990 alleles (0.000062%); highest among the groups gnomAD compares: Non-Finnish European, 0.000085%; no homozygotes.

Submissions (2):

Labcorp Genetics (formerly Invitae), Labcorp
Classification: Uncertain significance. Last evaluated: 2023-05-20. Review status: criteria provided, single submitter. Criteria: Invitae Variant Classification Sherloc (09022015). Collection method: clinical testing. Allele origin: germline.
Comment: ClinVar contains an entry for this variant (Variation ID: 2325423). In summary, the available evidence is currently insufficient to determine the role of this variant in disease. Therefore, it has been classified as a Variant of Uncertain Significance. Advanced modeling of protein sequence and biophysical properties (such as structural, functional, and spatial information, amino acid conservation, physicochemical variation, residue mobility, and thermodynamic stability) performed at Invitae indicates that this missense variant is not expected to disrupt AK7 protein function. This variant has not been reported in the literature in individuals affected with AK7-related conditions. This variant is not present in population databases (gnomAD no frequency). This sequence change replaces valine, which is neutral and non-polar, with glycine, which is neutral and non-polar, at codon 71 of the AK7 protein (p.Val71Gly).

Ambry Genetics
Classification: Uncertain significance. Last evaluated: 2022-11-10. Review status: criteria provided, single submitter. Criteria: Ambry Variant Classification Scheme 2023. Collection method: clinical testing. Allele origin: germline.